The following is an entry in ClinVar:

ClinVar aggregate classification (germline): Uncertain significance (1 of 4 stars; one submission).

Allele frequency attached by ClinVar (database versions not stated): TOPMed below 0.00001.
gnomAD v4.1: 4 of 1,580,418 alleles (0.00025%); highest among the groups gnomAD compares: Non-Finnish European, 0.00034%; no homozygotes.

Submission:

Labcorp Genetics (formerly Invitae), Labcorp
Classification: Uncertain significance. Last evaluated: 2022-03-28. Review status: criteria provided, single submitter. Criteria: Invitae Variant Classification Sherloc (09022015). Collection method: clinical testing. Allele origin: germline.
Comment: In summary, the available evidence is currently insufficient to determine the role of this variant in disease. Therefore, it has been classified as a Variant of Uncertain Significance. Algorithms developed to predict the effect of missense changes on protein structure and function (SIFT, PolyPhen-2, Align-GVGD) all suggest that this variant is likely to be disruptive. This variant has not been reported in the literature in individuals affected with C17orf62-related conditions. This variant is present in population databases (no rsID available, gnomAD 0.001%). This sequence change replaces serine, which is neutral and polar, with phenylalanine, which is neutral and non-polar, at codon 23 of the C17orf62 protein (p.Ser23Phe).

NM_001033046.4(CYBC1):c.68C>T (p.Ser23Phe)

Gene: CYBC1 (cytochrome b-245 chaperone 1; minus strand). Cytogenetic location: 17q25.3.
Variant type: single nucleotide variant.
Coding change: c.68C>T on transcript NM_001033046.4 (MANE Select); coding-DNA position 68, C replaced by T.
Protein change: p.Ser23Phe; replaces serine 23 with phenylalanine.
Molecular consequence: missense variant. On other transcripts: non-coding transcript variant (1).
Genome position (GRCh38, 1-based): chr17:82,449,187, G>A on the plus strand (C>T on the coding strand, the complement: CYBC1 is on the minus strand). VCF-style: chr17-82449187-G-A. GRCh37 (hg19) VCF-style: chr17-80407063-G-A.
Other names: c.68C>T, p.Ser23Phe (NM_001100407.3, NM_001100408.3, NM_001193653.2 and 3 more transcripts); short protein forms S23F.
Identifiers: ClinVar variation 2100112 (VCV002100112.4), dbSNP rs1228932482, ClinGen allele CA401609342.